The following is an entry in ClinVar:

NM_002474.3(MYH11):c.3165G>T (p.Lys1055Asn)

Gene: MYH11 (myosin heavy chain 11; minus strand). Cytogenetic location: 16p13.11.
Variant type: single nucleotide variant.
Coding change: c.3165G>T on transcript NM_002474.3 (MANE Select); coding-DNA position 3165, G replaced by T.
Protein change: p.Lys1055Asn; replaces lysine 1055 with asparagine.
Molecular consequence: missense variant.
Genome position (GRCh38, 1-based): chr16:15,737,577, C>A on the plus strand (G>T on the coding strand, the complement: MYH11 is on the minus strand). VCF-style: chr16-15737577-C-A. GRCh37 (hg19) VCF-style: chr16-15831434-C-A.
Other names: c.3186G>T, p.Lys1062Asn (NM_001040113.2, NM_001040114.2); c.3165G>T, p.Lys1055Asn (NM_022844.3); short protein forms K1055N, K1062N.
Identifiers: ClinVar variation 3372688 (VCV003372688.1).
Genomic context (GRCh38, chr16:15,737,577, plus strand): 5'-CTGGAGGTCAGCGATCTGCTCGTGGAAGTCGCTGGCATCACCCTCCAGCTTCCGTTTCAG[C>A]TTCTCCAGCTCCTGTCGGCTCTTCTCTTCCTTCTTTAGCCGCACTGCAAAAACCAAGGTG-3'
Protein context (NP_002465.1, residues 1045-1065): KEEKSRQELE[Lys1055Asn]LKRKLEGDAS

ClinVar aggregate classification (germline): Uncertain significance (1 of 4 stars; one submission).

Submission:

GeneDx
Classification: Uncertain significance. Last evaluated: 2024-05-02. Review status: criteria provided, single submitter. Criteria: GeneDx Variant Classification Process June 2021. Collection method: clinical testing. Allele origin: germline. Affected: yes.
Comment: Has not been previously published as pathogenic or benign to our knowledge; Not observed at significant frequency in large population cohorts (gnomAD); In silico analysis supports that this missense variant has a deleterious effect on protein structure/function